The following is an entry in ClinVar:

ClinVar aggregate classification (germline): Uncertain significance. Review status: criteria provided, multiple submitters, no conflicts (2 of 4 stars). 2 submissions from 2 submitters: Uncertain significance (2). Last evaluated 2025-08-12.

Conditions:
Familial sleep-related hypermotor epilepsy. Also called: Autosomal Dominant Sleep-Related Hypermotor (Hyperkinetic) Epilepsy. Identifiers: Orphanet 98784, MedGen C3696898, MONDO:0000030.

Allele frequency attached by ClinVar (database versions not stated): gnomAD 0.00007; gnomAD exomes 0.00008 and 0.00013; ExAC 0.00013; TOPMed 0.00014.
gnomAD v4.1: 194 of 1,613,980 alleles (0.012%); highest among the groups gnomAD compares: South Asian, 0.018%; 2 homozygotes.

Submissions (2):

Ambry Genetics
Classification: Uncertain significance. Last evaluated: 2025-08-12. Review status: criteria provided, single submitter. Criteria: Ambry Variant Classification Scheme 2023. Collection method: clinical testing. Allele origin: germline.

Labcorp Genetics (formerly Invitae), Labcorp
Classification: Uncertain significance for Familial sleep-related hypermotor epilepsy. Last evaluated: 2022-08-22. Review status: criteria provided, single submitter. Criteria: Invitae Variant Classification Sherloc (09022015). Collection method: clinical testing. Allele origin: germline.
Comment: This sequence change replaces valine, which is neutral and non-polar, with isoleucine, which is neutral and non-polar, at codon 99 of the PRIMA1 protein (p.Val99Ile). This variant is present in population databases (rs200260569, gnomAD 0.01%). This variant has not been reported in the literature in individuals affected with PRIMA1-related conditions. ClinVar contains an entry for this variant (Variation ID: 648361). Algorithms developed to predict the effect of missense changes on protein structure and function output the following: SIFT: "Deleterious"; PolyPhen-2: "Probably Damaging"; Align-GVGD: "Class C0". The isoleucine amino acid residue is found in multiple mammalian species, which suggests that this missense change does not adversely affect protein function. In summary, the available evidence is currently insufficient to determine the role of this variant in disease. Therefore, it has been classified as a Variant of Uncertain Significance.

NM_178013.4(PRIMA1):c.295G>A (p.Val99Ile)

Gene: PRIMA1 (proline rich membrane anchor 1; minus strand). Cytogenetic location: 14q32.12.
Variant type: single nucleotide variant.
Coding change: c.295G>A on transcript NM_178013.4 (MANE Select); coding-DNA position 295, G replaced by A.
Protein change: p.Val99Ile; replaces valine 99 with isoleucine.
Molecular consequence: missense variant.
Genome position (GRCh38, 1-based): chr14:93,737,305, C>T on the plus strand (G>A on the coding strand, the complement: PRIMA1 is on the minus strand). VCF-style: chr14-93737305-C-T. GRCh37 (hg19) VCF-style: chr14-94203651-C-T.
Other names: short protein forms V99I.
Identifiers: ClinVar variation 648361 (VCV000648361.11), dbSNP rs200260569, ClinGen allele CA7323046.
Genomic context (GRCh38, chr14:93,737,305, plus strand): 5'-TTATGGCTTTGTAGCAAATGATGACAAGCACAGTCAGAAACACCAGGGAGGCACAGCATA[C>T]GGCAATGATGATCACCAGCCCCGACCACCAGCTTTCCTCAGTGGGGCAAGAGGTAGAGTT-3'
Protein context (NP_821092.1, residues 89-109): WWSGLVIIIA[Val99Ile]CCASLVFLTV